The following is an entry in ClinVar:

ClinVar aggregate classification (germline): Likely pathogenic (1 of 4 stars; one submission).

Conditions:
Hyperparathyroidism, transient neonatal. Identifiers: MedGen C1300287, MONDO:0032591, OMIM 618188.

Allele frequency attached by ClinVar (database versions not stated): gnomAD 0.00001; gnomAD exomes 0.00001; TOPMed 0.00001; ExAC 0.00003.
gnomAD v4.1: 12 of 1,613,908 alleles (0.00074%); highest among the groups gnomAD compares: African/African-American, 0.0027%; no homozygotes.

Submission:

SIB Swiss Institute of Bioinformatics
Classification: Likely pathogenic for Hyperparathyroidism, transient neonatal. Last evaluated: 2019-05-21. Review status: criteria provided, single submitter. Criteria: ACMG Guidelines, 2015. Collection method: curation. Allele origin: unknown.
Comment: This variant is interpreted as a Likely pathogenic for Hyperparathyroidism, transient neonatal, autosomal recessive. The following ACMG Tag(s) were applied: PM2, PP3, PS3-Moderate, PM3 .

Literature cited by the submitters: PubMed 29861107.

NM_018646.6(TRPV6):c.1447C>T (p.Arg483Trp)

Gene: TRPV6 (transient receptor potential cation channel subfamily V member 6; minus strand). Cytogenetic location: 7q34.
Variant type: single nucleotide variant.
Coding change: c.1447C>T on transcript NM_018646.6 (MANE Select); coding-DNA position 1447, C replaced by T.
Protein change: p.Arg483Trp; replaces arginine 483 with tryptophan.
Molecular consequence: missense variant.
Genome position (GRCh38, 1-based): chr7:142,874,616, G>A on the plus strand (C>T on the coding strand, the complement: TRPV6 is on the minus strand). VCF-style: chr7-142874616-G-A. GRCh37 (hg19) VCF-style: chr7-142572369-G-A.
Other names: short protein forms R483W.
Identifiers: ClinVar variation 692132 (VCV000692132.1), dbSNP rs755916513, ClinGen allele CA4532503.